The following is an entry in ClinVar:

ClinVar aggregate classification (germline): Uncertain significance (1 of 4 stars; one submission).

Submission:

Ambry Genetics
Classification: Uncertain significance. Last evaluated: 2021-09-16. Review status: criteria provided, single submitter. Criteria: Ambry Variant Classification Scheme 2023. Collection method: clinical testing. Allele origin: germline.
Comment: The c.442A>C (p.T148P) alteration is located in exon (coding exon ) of the SH3RF3 gene. This alteration results from a A to C substitution at nucleotide position 442, causing the threonine (T) at amino acid position 148 to be replaced by a proline (P). Based on insufficient or conflicting evidence, the clinical significance of this alteration remains unclear.

NM_001099289.3(SH3RF3):c.442A>C (p.Thr148Pro)

Genes: RANBP2 (RAN binding protein 2; plus strand), SH3RF3 (SH3 domain containing ring finger 3; plus strand), SH3RF3-AS1 (SH3RF3 antisense RNA 1; minus strand). Cytogenetic location: 2q13.
Variant type: single nucleotide variant.
Coding change: c.442A>C on transcript NM_001099289.3 (MANE Select); coding-DNA position 442, A replaced by C.
Protein change: p.Thr148Pro; replaces threonine 148 with proline.
Molecular consequence: missense variant. On other transcripts: non-coding transcript variant (1).
Genome position (GRCh38, 1-based): chr2:109,129,982, A>C. VCF-style: chr2-109129982-A-C. GRCh37 (hg19) VCF-style: chr2-109746438-A-C.
Other names: short protein forms T148P.
Identifiers: ClinVar variation 2250245 (VCV002250245.2), dbSNP rs2471091784, ClinGen allele CA348118730.